The following is an entry in ClinVar:

ClinVar aggregate classification (germline): Conflicting classifications of pathogenicity. Review status: criteria provided, conflicting classifications (1 of 4 stars). 4 submissions from 4 submitters: Uncertain significance (2); Benign (1); Likely benign (1). Last evaluated 2026-03-06.

Conditions:
Retinoblastoma (RB1). Also called: RETINOBLASTOMA, SOMATIC. Identifiers: Orphanet 790, MedGen C0035335, MeSH D012175, MONDO:0008380, OMIM 180200, HP:0009919. Disease mechanism: loss of function. Inheritance: Both sporadic and heritable forms are tested..
Hereditary cancer-predisposing syndrome. Also called: Neoplastic Syndromes, Hereditary; Hereditary neoplastic syndrome; Tumor predisposition; Hereditary Cancer Syndrome. Identifiers: Orphanet 140162, MedGen C0027672, MeSH D009386, MONDO:0015356.

Allele frequency attached by ClinVar (database versions not stated): gnomAD exomes below 0.00001; TOPMed 0.00002.
gnomAD v4.1: 3 of 1,614,168 alleles (0.00019%); highest among the groups gnomAD compares: Non-Finnish European, 0.00025%; no homozygotes.

Submissions (4):

Ambry Genetics
Classification: Benign for Hereditary cancer-predisposing syndrome. Last evaluated: 2026-03-06. Review status: criteria provided, single submitter. Criteria: Ambry Variant Classification Scheme 2023. Collection method: clinical testing. Allele origin: germline.

Labcorp Genetics (formerly Invitae), Labcorp
Classification: Likely benign for Retinoblastoma. Last evaluated: 2025-11-27. Review status: criteria provided, single submitter. Criteria: Invitae Variant Classification Sherloc (09022015). Collection method: clinical testing. Allele origin: germline.

All of Us Research Program, National Institutes of Health
Classification: Uncertain significance for Retinoblastoma. Last evaluated: 2023-12-18. Review status: criteria provided, single submitter. Criteria: ACMG Guidelines, 2015. Collection method: clinical testing. Allele origin: germline. Inheritance: Autosomal dominant inheritance. Observed: 1 variant allele, 1 heterozygote.
Comment: This missense variant replaces alanine with valine at codon 628 of the RB1 protein. Computational prediction suggests that this variant may not impact protein structure and function (internally defined REVEL score threshold <= 0.5, PMID: 27666373). To our knowledge, functional studies have not been reported for this variant. This variant has not been reported in individuals affected with RB1-related disorders in the literature. This variant has not been identified in the general population by the Genome Aggregation Database (gnomAD). The available evidence is insufficient to determine the role of this variant in disease conclusively. Therefore, this variant is classified as a Variant of Uncertain Significance.

This study involves interpretation of variants in research participants for the purpose of population health screening. Participant phenotype was not available at the time of variant classification. Additional details can be found in publication PMID: 35346344, PMCID: PMC8962531

Color Diagnostics, LLC DBA Color Health
Classification: Uncertain significance for Retinoblastoma. Last evaluated: 2023-11-29. Review status: criteria provided, single submitter. Criteria: ACMG Guidelines, 2015. Collection method: clinical testing. Allele origin: germline.
Comment: This missense variant replaces alanine with valine at codon 628 of the RB1 protein. Computational prediction suggests that this variant may not impact protein structure and function. To our knowledge, functional studies have not been reported for this variant. This variant has not been reported in individuals affected with RB1-related disorders in the literature. This variant has not been identified in the general population by the Genome Aggregation Database (gnomAD). The available evidence is insufficient to determine the role of this variant in disease conclusively. Therefore, this variant is classified as a Variant of Uncertain Significance.

NM_000321.3(RB1):c.1883C>T (p.Ala628Val)

Gene: RB1 (RB transcriptional corepressor 1; plus strand). Cytogenetic location: 13q14.2.
Variant type: single nucleotide variant.
Coding change: c.1883C>T on transcript NM_000321.3 (MANE Select); coding-DNA position 1883, C replaced by T.
Protein change: p.Ala628Val; replaces alanine 628 with valine.
Molecular consequence: missense variant.
Genome position (GRCh38, 1-based): chr13:48,456,272, C>T. VCF-style: chr13-48456272-C-T. GRCh37 (hg19) VCF-style: chr13-49030408-C-T.
Other names: short protein forms A628V.
Identifiers: ClinVar variation 647800 (VCV000647800.13), dbSNP rs1329826610, ClinGen allele CA388165983.